The following is an entry in ClinVar:

ClinVar aggregate classification (germline): Likely pathogenic (1 of 4 stars; one submission).

Conditions:
Catecholaminergic polymorphic ventricular tachycardia 1. Also called: VENTRICULAR TACHYCARDIA, STRESS-INDUCED POLYMORPHIC 1; VENTRICULAR TACHYCARDIA, CATECHOLAMINERGIC POLYMORPHIC, 1, WITH OR WITHOUT ATRIAL DYSFUNCTION AND/OR DILATED CARDIOMYOPATHY; RYR2-Related Catecholaminergic Polymorphic Ventricular Tachycardia. Identifiers: Orphanet 3286, MedGen C1631597, MONDO:0011484, OMIM 604772.

Submission:

Labcorp Genetics (formerly Invitae), Labcorp
Classification: Likely pathogenic for Catecholaminergic polymorphic ventricular tachycardia 1. Last evaluated: 2023-09-05. Review status: criteria provided, single submitter. Criteria: Invitae Variant Classification Sherloc (09022015). Collection method: clinical testing. Allele origin: germline.
Comment: In summary, the currently available evidence indicates that the variant is pathogenic, but additional data are needed to prove that conclusively. Therefore, this variant has been classified as Likely Pathogenic. This variant disrupts the p.Phe4600 amino acid residue in RYR2. Other variant(s) that disrupt this residue have been determined to be pathogenic (PMID: 26114861, 29434162). This suggests that this residue is clinically significant, and that variants that disrupt this residue are likely to be disease-causing. Advanced modeling of protein sequence and biophysical properties (such as structural, functional, and spatial information, amino acid conservation, physicochemical variation, residue mobility, and thermodynamic stability) performed at Invitae indicates that this missense variant is expected to disrupt RYR2 protein function. This variant has not been reported in the literature in individuals affected with RYR2-related conditions. This variant is not present in population databases (gnomAD no frequency). This sequence change replaces phenylalanine, which is neutral and non-polar, with isoleucine, which is neutral and non-polar, at codon 4600 of the RYR2 protein (p.Phe4600Ile).

Literature cited by the submitters: PubMed 26114861; PubMed 29434162.

NM_001035.3(RYR2):c.13798T>A (p.Phe4600Ile)

Gene: RYR2 (ryanodine receptor 2; plus strand). Cytogenetic location: 1q43.
Variant type: single nucleotide variant.
Coding change: c.13798T>A on transcript NM_001035.3 (MANE Select); coding-DNA position 13798, T replaced by A.
Protein change: p.Phe4600Ile; replaces phenylalanine 4600 with isoleucine.
Molecular consequence: missense variant.
Genome position (GRCh38, 1-based): chr1:237,793,882, T>A. VCF-style: chr1-237793882-T-A. GRCh37 (hg19) VCF-style: chr1-237957182-T-A.
Other names: short protein forms F4600I.
Identifiers: ClinVar variation 2758112 (VCV002758112.3), dbSNP rs2149388042, ClinGen allele CA345418011.